The following is an entry in ClinVar:

NM_006158.5(NEFL):c.795C>G (p.Tyr265Ter)

Gene: NEFL (neurofilament light chain; minus strand). Cytogenetic location: 8p21.2.
Variant type: single nucleotide variant.
Coding change: c.795C>G on transcript NM_006158.5 (MANE Select); coding-DNA position 795, C replaced by G.
Protein change: p.Tyr265Ter; replaces tyrosine 265 with a stop codon.
Molecular consequence: nonsense.
Genome position (GRCh38, 1-based): chr8:24,955,721, G>C on the plus strand (C>G on the coding strand, the complement: NEFL is on the minus strand). VCF-style: chr8-24955721-G-C. GRCh37 (hg19) VCF-style: chr8-24813235-G-C.
Other names: short protein forms Y265*.
Identifiers: ClinVar variation 1437655 (VCV001437655.6), dbSNP rs2117254540, ClinGen allele CA370621614.

ClinVar aggregate classification (germline): Pathogenic (1 of 4 stars; one submission).

Conditions:
Charcot-Marie-Tooth disease type 2E (CMT2E). Also called: CHARCOT-MARIE-TOOTH DISEASE, AXONAL, TYPE 2E; CHARCOT-MARIE-TOOTH NEUROPATHY, TYPE 2E. Identifiers: Orphanet 99939, MedGen C1843225, MONDO:0011894, OMIM 607684.

Submission:

Labcorp Genetics (formerly Invitae), Labcorp
Classification: Pathogenic for Charcot-Marie-Tooth disease type 2E. Last evaluated: 2021-02-18. Review status: criteria provided, single submitter. Criteria: Invitae Variant Classification Sherloc (09022015). Collection method: clinical testing. Allele origin: germline.
Comment: This sequence change creates a premature translational stop signal (p.Tyr265*) in the NEFL gene. It is expected to result in an absent or disrupted protein product. Loss-of-function variants in NEFL are known to be pathogenic (PMID: 19158810, 20039262). This variant is not present in population databases (ExAC no frequency). This variant has not been reported in the literature in individuals with NEFL-related conditions. For these reasons, this variant has been classified as Pathogenic.

Literature cited by the submitters: PubMed 19158810; PubMed 20039262.